The following is an entry in ClinVar:

ClinVar aggregate classification (germline): Uncertain significance (1 of 4 stars; one submission).

Conditions:
Peroxisome biogenesis disorder 3A (Zellweger). Also called: PEROXISOMAL BIOGENESIS DISORDER 3A (ZELLWEGER); Peroxisome biogenesis disorder 3A. Identifiers: Orphanet 912, MedGen C3553929, MONDO:0013927, OMIM 614859.

Allele frequency attached by ClinVar (database versions not stated): gnomAD exomes below 0.00001; TOPMed below 0.00001.

Submission:

Labcorp Genetics (formerly Invitae), Labcorp
Classification: Uncertain significance for Peroxisome biogenesis disorder 3A (Zellweger). Last evaluated: 2023-12-07. Review status: criteria provided, single submitter. Criteria: Invitae Variant Classification Sherloc (09022015). Collection method: clinical testing. Allele origin: germline.
Comment: This sequence change replaces histidine, which is basic and polar, with tyrosine, which is neutral and polar, at codon 189 of the PEX12 protein (p.His189Tyr). This variant is present in population databases (no rsID available, gnomAD 0.003%). This variant has not been reported in the literature in individuals affected with PEX12-related conditions. ClinVar contains an entry for this variant (Variation ID: 949049). Advanced modeling of protein sequence and biophysical properties (such as structural, functional, and spatial information, amino acid conservation, physicochemical variation, residue mobility, and thermodynamic stability) performed at Invitae indicates that this missense variant is not expected to disrupt PEX12 protein function with a negative predictive value of 80%. In summary, the available evidence is currently insufficient to determine the role of this variant in disease. Therefore, it has been classified as a Variant of Uncertain Significance.

NM_000286.3(PEX12):c.565C>T (p.His189Tyr)

Gene: PEX12 (peroxisomal biogenesis factor 12; minus strand). Cytogenetic location: 17q12.
Variant type: single nucleotide variant.
Coding change: c.565C>T on transcript NM_000286.3 (MANE Select); coding-DNA position 565, C replaced by T.
Protein change: p.His189Tyr; replaces histidine 189 with tyrosine.
Molecular consequence: missense variant.
Genome position (GRCh38, 1-based): chr17:35,577,153, G>A on the plus strand (C>T on the coding strand, the complement: PEX12 is on the minus strand). VCF-style: chr17-35577153-G-A. GRCh37 (hg19) VCF-style: chr17-33904172-G-A.
Other names: short protein forms H189Y.
Identifiers: ClinVar variation 949049 (VCV000949049.9), dbSNP rs1336163775, ClinGen allele CA399137854.
Genomic context (GRCh38, chr17:35,577,153, plus strand): 5'-GTATATCCTGAACTGTCAGTCGACCTAGCTGAACTCCAGCCAGCCTCAGCAGTGGTGAGT[G>A]ATGCTGAGCTTTTCCTAGGATGTATCGAAGTTGTTGTACAAGAAACCATCCTTCCCAGGC-3'
Protein context (NP_000277.1, residues 179-199): LRYILGKAQH[His189Tyr]SPLLRLAGVQ